The following is an entry in ClinVar:

ClinVar aggregate classification (germline): Uncertain significance (1 of 4 stars; one submission).

gnomAD v4.1: 1 of 1,614,108 alleles (0.000062%); highest among the groups gnomAD compares: Non-Finnish European, 0.000085%; no homozygotes.

Submission:

Labcorp Genetics (formerly Invitae), Labcorp
Classification: Uncertain significance. Last evaluated: 2018-12-12. Review status: criteria provided, single submitter. Criteria: Invitae Variant Classification Sherloc (09022015). Collection method: clinical testing. Allele origin: germline.
Comment: This sequence change replaces arginine with tryptophan at codon 1286 of the MTOR protein (p.Arg1286Trp). The arginine residue is highly conserved and there is a moderate physicochemical difference between arginine and tryptophan. In summary, the available evidence is currently insufficient to determine the role of this variant in disease. Therefore, it has been classified as a Variant of Uncertain Significance. Algorithms developed to predict the effect of missense changes on protein structure and function are either unavailable or do not agree on the potential impact of this missense change (SIFT: "Deleterious"; PolyPhen-2: "Probably Damaging"; Align-GVGD: "Class C0"). This variant has not been reported in the literature in individuals with MTOR-related conditions. This variant is not present in population databases (ExAC no frequency).

NM_004958.4(MTOR):c.3856C>T (p.Arg1286Trp)

Gene: MTOR (mechanistic target of rapamycin kinase; minus strand). Cytogenetic location: 1p36.22.
Variant type: single nucleotide variant.
Coding change: c.3856C>T on transcript NM_004958.4 (MANE Select); coding-DNA position 3856, C replaced by T.
Protein change: p.Arg1286Trp; replaces arginine 1286 with tryptophan.
Molecular consequence: missense variant.
Genome position (GRCh38, 1-based): chr1:11,204,649, G>A on the plus strand (C>T on the coding strand, the complement: MTOR is on the minus strand). VCF-style: chr1-11204649-G-A. GRCh37 (hg19) VCF-style: chr1-11264706-G-A.
Other names: c.3856C>T (LRG_734t1); short protein forms R1286W.
Identifiers: ClinVar variation 639616 (VCV000639616.8), dbSNP rs1571160370, ClinGen allele CA338393759.